The following is an entry in ClinVar:

ClinVar aggregate classification (germline): Uncertain significance (1 of 4 stars; one submission).

Conditions:
Sulfite oxidase deficiency due to molybdenum cofactor deficiency type C. Also called: Molybdenum cofactor deficiency, complementation group C; Molybdenum cofactor deficiency C. Identifiers: Orphanet 308400, Orphanet 833, MedGen C1854990, MONDO:0014212, OMIM 615501.

gnomAD v4.1: 2 of 1,611,056 alleles (0.00012%); highest among the groups gnomAD compares: East Asian, 0.0045%; no homozygotes.

Submission:

Labcorp Genetics (formerly Invitae), Labcorp
Classification: Uncertain significance for Sulfite oxidase deficiency due to molybdenum cofactor deficiency type C. Last evaluated: 2024-05-12. Review status: criteria provided, single submitter. Criteria: Invitae Variant Classification Sherloc (09022015). Collection method: clinical testing. Allele origin: germline.
Comment: This sequence change replaces valine, which is neutral and non-polar, with leucine, which is neutral and non-polar, at codon 665 of the GPHN protein (p.Val665Leu). This variant is present in population databases (rs750577325, gnomAD 0.006%). This variant has not been reported in the literature in individuals affected with GPHN-related conditions. Advanced modeling of protein sequence and biophysical properties (such as structural, functional, and spatial information, amino acid conservation, physicochemical variation, residue mobility, and thermodynamic stability) performed at Invitae indicates that this missense variant is not expected to disrupt GPHN protein function with a negative predictive value of 80%. In summary, the available evidence is currently insufficient to determine the role of this variant in disease. Therefore, it has been classified as a Variant of Uncertain Significance.

NM_020806.5(GPHN):c.1993G>T (p.Val665Leu)

Genes: GPHN (gephyrin; plus strand), LOC126861970 (MED14-independent group 3 enhancer GRCh37_chr14:67634697-67635896; plus strand). Cytogenetic location: 14q23.3.
Variant type: single nucleotide variant.
Coding change: c.1993G>T on transcript NM_020806.5 (MANE Select); coding-DNA position 1993, G replaced by T.
Protein change: p.Val665Leu; replaces valine 665 with leucine.
Molecular consequence: missense variant.
Genome position (GRCh38, 1-based): chr14:67,168,950, G>T. VCF-style: chr14-67168950-G-T. GRCh37 (hg19) VCF-style: chr14-67635667-G-T.
Other names: c.1894G>T, p.Val632Leu (NM_001024218.2); c.2053G>T, p.Val685Leu (NM_001377514.1); c.2023G>T, p.Val675Leu (NM_001377515.1); c.2014G>T, p.Val672Leu (NM_001377516.1); c.1966G>T, p.Val656Leu (NM_001377517.1); c.1951G>T, p.Val651Leu (NM_001377518.1); c.1933G>T, p.Val645Leu (NM_001377519.1); short protein forms V645L, V651L, V675L, V632L, V656L, V665L, V672L, V685L.
Identifiers: ClinVar variation 3708565 (VCV003708565.2).